The following is an entry in ClinVar:

NM_018979.4(WNK1):c.3068T>C (p.Leu1023Ser)

Gene: WNK1 (WNK lysine deficient protein kinase 1; plus strand). Cytogenetic location: 12p13.33.
Variant type: single nucleotide variant.
Coding change: c.3068T>C on transcript NM_018979.4 (MANE Select); coding-DNA position 3068, T replaced by C.
Protein change: p.Leu1023Ser; replaces leucine 1023 with serine.
Molecular consequence: missense variant. On other transcripts: intron variant (2).
Genome position (GRCh38, 1-based): chr12:880,956, T>C. VCF-style: chr12-880956-T-C. GRCh37 (hg19) VCF-style: chr12-990122-T-C.
Other names: c.3848T>C, p.Leu1283Ser (NM_001184985.2); c.3868-736T>C (NM_213655.5); c.2371-736T>C (NM_014823.3); short protein forms L1023S, L1283S.
Identifiers: ClinVar variation 538511 (VCV000538511.6), dbSNP rs766021155, ClinGen allele CA6382635.

ClinVar aggregate classification (germline): Uncertain significance (1 of 4 stars; one submission).

Conditions:
Neuropathy, hereditary sensory and autonomic, type 2A (HSAN2A). Also called: HSAN IIA; WNK1-Related HSAN2 (HSAN2A); MORVAN DISEASE; NEUROPATHY, CONGENITAL SENSORY; NEUROPATHY, HEREDITARY SENSORY RADICULAR, AUTOSOMAL RECESSIVE; NEUROPATHY, HEREDITARY SENSORY, TYPE IIA. Identifiers: Orphanet 970, MedGen C2752089, MONDO:0024309, OMIM 201300.
Pseudohypoaldosteronism type 2C (PHA2C). Also called: Pseudohypoaldosteronism Type IIC. Identifiers: Orphanet 757, Orphanet 88940, MedGen C1840391, MONDO:0013778, OMIM 614492.

Allele frequency attached by ClinVar (database versions not stated): gnomAD exomes below 0.00001; ExAC 0.00001; TOPMed 0.00001.
gnomAD v4.1: 5 of 1,614,180 alleles (0.00031%); highest among the groups gnomAD compares: Non-Finnish European, 0.00042%; no homozygotes.

Submission:

Labcorp Genetics (formerly Invitae), Labcorp
Classification: Uncertain significance for Neuropathy, hereditary sensory and autonomic, type 2A; Pseudohypoaldosteronism type 2C. Last evaluated: 2017-09-17. Review status: criteria provided, single submitter. Criteria: Invitae Variant Classification Sherloc (09022015). Collection method: clinical testing. Allele origin: germline.
Comment: This sequence change replaces leucine with serine at codon 1023 of the WNK1 protein (p.Leu1023Ser). The leucine residue is highly conserved and there is a large physicochemical difference between leucine and serine. This variant is present in population databases (rs766021155, ExAC 0.001%). This variant has not been reported in the literature in individuals with WNK1-related disease. Algorithms developed to predict the effect of missense changes on protein structure and function do not agree on the potential impact of this missense change (SIFT: "Deleterious"; PolyPhen-2: "Probably Damaging"; Align-GVGD: "Class C0"). In summary, the available evidence is currently insufficient to determine the role of this variant in disease. Therefore, it has been classified as a Variant of Uncertain Significance.